The following is an entry in ClinVar:

NM_000465.4(BARD1):c.1903T>C (p.Trp635Arg)

Gene: BARD1 (BRCA1 associated RING domain 1; minus strand). Cytogenetic location: 2q35.
Variant type: single nucleotide variant.
Coding change: c.1903T>C on transcript NM_000465.4 (MANE Select); coding-DNA position 1903, T replaced by C.
Protein change: p.Trp635Arg; replaces tryptophan 635 with arginine.
Molecular consequence: missense variant. On other transcripts: non-coding transcript variant (3), intron variant (1).
Genome position (GRCh38, 1-based): chr2:214,745,067, A>G on the plus strand (T>C on the coding strand, the complement: BARD1 is on the minus strand). VCF-style: chr2-214745067-A-G. GRCh37 (hg19) VCF-style: chr2-215609791-A-G.
Other names: c.1846T>C, p.Trp616Arg (NM_001282543.2); c.550T>C, p.Trp184Arg (NM_001282545.2); c.493T>C, p.Trp165Arg (NM_001282548.2); c.365-14559T>C (NM_001282549.2); short protein forms W635R, W616R, W165R, W184R.
Identifiers: ClinVar variation 5032779 (VCV005032779.1).
Genomic context (GRCh38, chr2:214,745,067, plus strand): 5'-AACCATGAAAAACAAAACTAGTCTAATTCATTTCTTAATTCTCTCAAATCCAACACTTAC[A>G]TTCAAATTTTAGAATCCAGCATCCATTGAGAATCCCAAGCATACACTTCAAGGTACTTTG-3'
Protein context (NP_000456.2, residues 625-645): LNGCWILKFE[Trp635Arg]VKACLRRKVC

ClinVar aggregate classification (germline): Uncertain significance (1 of 4 stars; one submission).

Conditions:
Hereditary cancer-predisposing syndrome. Also called: Neoplastic Syndromes, Hereditary; Tumor predisposition; Hereditary neoplastic syndrome; Hereditary Cancer Syndrome. Identifiers: Orphanet 140162, MedGen C0027672, MeSH D009386, MONDO:0015356.

Submission:

Ambry Genetics
Classification: Uncertain significance for Hereditary cancer-predisposing syndrome. Last evaluated: 2026-06-29. Review status: criteria provided, single submitter. Criteria: Ambry Variant Classification Scheme 2023. Collection method: clinical testing. Allele origin: germline.
Comment: The p.W635R variant (also known as c.1903T>C), located in coding exon 9 of the BARD1 gene, results from a T to C substitution at nucleotide position 1903. The tryptophan at codon 635 is replaced by arginine , an amino acid with dissimilar properties. This amino acid position is highly conserved in available vertebrate species. In addition, this alteration is predicted to be deleterious by in silico analysis. Based on the available evidence, the clinical significance of this variant remains unclear.